The following is an entry in ClinVar:

NM_000095.3(COMP):c.1163C>T (p.Pro388Leu)

Gene: COMP (cartilage oligomeric matrix protein; minus strand). Cytogenetic location: 19p13.11.
Variant type: single nucleotide variant.
Coding change: c.1163C>T on transcript NM_000095.3 (MANE Select); coding-DNA position 1163, C replaced by T.
Protein change: p.Pro388Leu; replaces proline 388 with leucine.
Molecular consequence: missense variant.
Genome position (GRCh38, 1-based): chr19:18,786,623, G>A on the plus strand (C>T on the coding strand, the complement: COMP is on the minus strand). VCF-style: chr19-18786623-G-A. GRCh37 (hg19) VCF-style: chr19-18897433-G-A.
Other names: short protein forms P388L.
Identifiers: ClinVar variation 3699214 (VCV003699214.2).

ClinVar aggregate classification (germline): Uncertain significance (1 of 4 stars; one submission).

gnomAD v4.1: 5 of 1,614,050 alleles (0.00031%); highest among the groups gnomAD compares: Admixed American, 0.0033%; no homozygotes.

Submission:

Labcorp Genetics (formerly Invitae), Labcorp
Classification: Uncertain significance. Last evaluated: 2025-06-13. Review status: criteria provided, single submitter. Criteria: Invitae Variant Classification Sherloc (09022015). Collection method: clinical testing. Allele origin: germline.
Comment: This sequence change replaces proline, which is neutral and non-polar, with leucine, which is neutral and non-polar, at codon 388 of the COMP protein (p.Pro388Leu). This variant is present in population databases (rs745555403, gnomAD 0.006%). This variant has not been reported in the literature in individuals affected with COMP-related conditions. ClinVar contains an entry for this variant (Variation ID: 3699214). Invitae Evidence Modeling of protein sequence and biophysical properties (such as structural, functional, and spatial information, amino acid conservation, physicochemical variation, residue mobility, and thermodynamic stability) indicates that this missense variant is not expected to disrupt COMP protein function with a negative predictive value of 80%. In summary, the available evidence is currently insufficient to determine the role of this variant in disease. Therefore, it has been classified as a Variant of Uncertain Significance.